The following is an entry in ClinVar:

ClinVar aggregate classification (germline): Uncertain significance (1 of 4 stars; one submission).

Conditions:
Oligodontia-cancer predisposition syndrome. Also called: TOOTH AGENESIS-COLORECTAL CANCER SYNDROME. Identifiers: Orphanet 300576, MedGen C1837750, MONDO:0012075, OMIM 608615. Disease mechanism: loss of function.

Submission:

Labcorp Genetics (formerly Invitae), Labcorp
Classification: Uncertain significance for Oligodontia-cancer predisposition syndrome. Last evaluated: 2022-10-25. Review status: criteria provided, single submitter. Criteria: Invitae Variant Classification Sherloc (09022015). Collection method: clinical testing. Allele origin: germline.
Comment: In summary, the available evidence is currently insufficient to determine the role of this variant in disease. Therefore, it has been classified as a Variant of Uncertain Significance. Advanced modeling of protein sequence and biophysical properties (such as structural, functional, and spatial information, amino acid conservation, physicochemical variation, residue mobility, and thermodynamic stability) performed at Invitae indicates that this missense variant is expected to disrupt AXIN2 protein function. This variant has not been reported in the literature in individuals affected with AXIN2-related conditions. This variant is not present in population databases (gnomAD no frequency). This sequence change replaces leucine, which is neutral and non-polar, with valine, which is neutral and non-polar, at codon 447 of the AXIN2 protein (p.Leu447Val).

NM_004655.4(AXIN2):c.1339C>G (p.Leu447Val)

Gene: AXIN2 (axin 2; minus strand). Cytogenetic location: 17q24.1.
Variant type: single nucleotide variant.
Coding change: c.1339C>G on transcript NM_004655.4 (MANE Select); coding-DNA position 1339, C replaced by G.
Protein change: p.Leu447Val; replaces leucine 447 with valine.
Molecular consequence: missense variant.
Genome position (GRCh38, 1-based): chr17:65,537,697, G>C on the plus strand (C>G on the coding strand, the complement: AXIN2 is on the minus strand). VCF-style: chr17-65537697-G-C. GRCh37 (hg19) VCF-style: chr17-63533815-G-C.
Other names: c.1339C>G, p.Leu447Val (NM_001363813.1); short protein forms L447V.
Identifiers: ClinVar variation 2809620 (VCV002809620.3), dbSNP rs1363731706, ClinGen allele CA400677696.